The following is an entry in ClinVar:

NM_000202.8(IDS):c.269C>G (p.Ser90Cys)

Gene: IDS (iduronate 2-sulfatase; minus strand). Cytogenetic location: Xq28.
Variant type: single nucleotide variant.
Coding change: c.269C>G on transcript NM_000202.8 (MANE Select); coding-DNA position 269, C replaced by G.
Protein change: p.Ser90Cys; replaces serine 90 with cysteine.
Molecular consequence: missense variant. On other transcripts: non-coding transcript variant (1), intron variant (1).
Genome position (GRCh38, 1-based): chrX:149,503,461, G>C on the plus strand (C>G on the coding strand, the complement: IDS is on the minus strand). VCF-style: chrX-149503461-G-C. GRCh37 (hg19) VCF-style: chrX-148584991-G-C.
Other names: c.269C>G, p.Ser90Cys (NM_006123.5); c.15-16C>G (NM_001166550.4); short protein forms S90C.
Identifiers: ClinVar variation 1794878 (VCV001794878.2), dbSNP rs2520896970, ClinGen allele CA414526810.

ClinVar aggregate classification (germline): Uncertain significance (1 of 4 stars; one submission).

Conditions:
Inborn genetic diseases. Identifiers: MedGen C0950123, MeSH D030342.

Submission:

Ambry Genetics
Classification: Uncertain significance for Inborn genetic diseases. Last evaluated: 2021-12-02. Review status: criteria provided, single submitter. Criteria: Ambry Variant Classification Scheme 2023. Collection method: clinical testing. Allele origin: germline.
Comment: The p.S90C variant (also known as c.269C>G), located in coding exon 3 of the IDS gene, results from a C to G substitution at nucleotide position 269. The serine at codon 90 is replaced by cysteine, an amino acid with dissimilar properties. This amino acid position is conserved. In addition, this alteration is predicted to be deleterious by in silico analysis. Since supporting evidence is limited at this time, the clinical significance of this alteration remains unclear.